The following is an entry in ClinVar:

ClinVar aggregate classification (germline): Likely pathogenic. Review status: criteria provided, multiple submitters, no conflicts (2 of 4 stars). 2 submissions from 2 submitters: Likely pathogenic (2). Last evaluated 2024-05-03.

Conditions:
Intellectual developmental disorder, autosomal dominant 43. Also called: Intellectual disability, autosomal dominant 43. Identifiers: MedGen C4707429, MONDO:0014858, OMIM 616977.
HIVEP2-related disorder. Also called: HIVEP2-related condition.

Submissions (2):

Laboratorio de Genetica e Diagnostico Molecular, Hospital Israelita Albert Einstein
Classification: Likely pathogenic for Intellectual developmental disorder, autosomal dominant 43. Last evaluated: 2024-05-03. Review status: criteria provided, single submitter. Criteria: ACMG Guidelines, 2015. Collection method: clinical testing. Allele origin: germline. Affected: yes.
Comment: ACMG classification criteria: PVS1 very strong, PM2 supporting

Blueprint Genetics
Classification: Likely pathogenic for HIVEP2-related disorders. Last evaluated: 2019-12-20. Review status: criteria provided, single submitter. Criteria: ACMG Guidelines, 2015. Collection method: clinical testing. Allele origin: germline. Affected: yes. Observed: 1 variant allele.

NM_006734.4(HIVEP2):c.5782del (p.Thr1928fs)

Gene: HIVEP2 (HIVEP zinc finger 2; minus strand). Cytogenetic location: 6q24.2.
Variant type: Deletion.
Coding change: c.5782del on transcript NM_006734.4 (MANE Select); coding-DNA position 5782, one base deleted (A; older notation c.5782delA).
Protein change: p.Thr1928fs; shifts the reading frame from threonine 1928.
Molecular consequence: frameshift variant.
Genome position (GRCh38, 1-based): chr6:142,760,506, T deleted on the plus strand (A on the coding strand, the reverse complement: HIVEP2 is on the minus strand); the first of 2 consecutive T bases (chr6:142,760,506-142,760,507); deleting either gives the same sequence. VCF-style (leftmost placement, unchanged base first): chr6-142760505-GT-G. GRCh37 (hg19) VCF-style: chr6-143081642-GT-G.
Other names: short protein forms T1928fs.
Identifiers: ClinVar variation 4056693 (VCV004056693.2).